The following is an entry in ClinVar:

NM_004036.5(ADCY3):c.1086G>A (p.Arg362=)

Gene: ADCY3 (adenylate cyclase 3; minus strand). Cytogenetic location: 2p23.3.
Variant type: single nucleotide variant.
Coding change: c.1086G>A on transcript NM_004036.5 (MANE Select); coding-DNA position 1086, G replaced by A.
Protein change: p.Arg362=; no amino-acid change (arginine 362 retained).
Molecular consequence: synonymous variant.
Genome position (GRCh38, 1-based): chr2:24,841,369, C>T on the plus strand (G>A on the coding strand, the complement: ADCY3 is on the minus strand). VCF-style: chr2-24841369-C-T. GRCh37 (hg19) VCF-style: chr2-25064238-C-T.
Other names: c.1086G>A, p.Arg362= (NM_001320613.2, NM_001377128.1, NM_001377129.1 and 2 more transcripts); c.363G>A, p.Arg121= (NM_001377131.1).
Identifiers: ClinVar variation 3053098 (VCV003053098.2), dbSNP rs760176452, ClinGen allele CA1554294.

ClinVar aggregate classification (germline): Likely benign (0 of 4 stars; one submission).

Conditions:
ADCY3-related disorder. Also called: ADCY3-related condition.

Allele frequency attached by ClinVar (database versions not stated): ExAC 0.00001; gnomAD exomes 0.00001; TOPMed 0.00002; gnomAD 0.00003.
gnomAD v4.1: 7 of 1,609,512 alleles (0.00043%); highest among the groups gnomAD compares: Non-Finnish European, 0.00051%; no homozygotes.

Submission:

PreventionGenetics, part of Exact Sciences
Classification: Likely benign for ADCY3-related condition. Last evaluated: 2022-09-19. Review status: no assertion criteria provided. Collection method: clinical testing. Allele origin: germline.
Comment: This variant is classified as likely benign based on ACMG/AMP sequence variant interpretation guidelines (Richards et al. 2015 PMID: 25741868, with internal and published modifications).